The following is an entry in ClinVar:

NM_001110556.2(FLNA):c.2776A>G (p.Ile926Val)

Gene: FLNA (filamin A; minus strand). Cytogenetic location: Xq28.
Variant type: single nucleotide variant.
Coding change: c.2776A>G on transcript NM_001110556.2 (MANE Select); coding-DNA position 2776, A replaced by G.
Protein change: p.Ile926Val; replaces isoleucine 926 with valine.
Molecular consequence: missense variant.
Genome position (GRCh38, 1-based): chrX:154,362,029, T>C on the plus strand (A>G on the coding strand, the complement: FLNA is on the minus strand). VCF-style: chrX-154362029-T-C. GRCh37 (hg19) VCF-style: chrX-153590397-T-C.
Other names: c.2776A>G, p.Ile926Val (NM_001456.4); short protein forms I926V.
Identifiers: ClinVar variation 4789592 (VCV004789592.1).

ClinVar aggregate classification (germline): Uncertain significance (1 of 4 stars; one submission).

Conditions:
Heterotopia, periventricular, X-linked dominant (PVNH1). Also called: PERIVENTRICULAR NODULAR HETEROTOPIA 4; HETEROTOPIA, PERIVENTRICULAR, 1; PERIVENTRICULAR NODULAR HETEROTOPIA 1; X-linked periventricular heterotopia. Identifiers: Orphanet 2149, Orphanet 82004, MedGen C1848213, MONDO:0010233, OMIM 300049.
Oto-palato-digital syndrome, type II (OPD2). Also called: Otopalatodigital Syndrome, Type II; FACIOPALATOOSSEOUS SYNDROME; OPD II SYNDROME; Otopalatodigital Syndrome Type 2 (FLNA-OPD2). Identifiers: Orphanet 669, Orphanet 90652, MedGen C1844696, MONDO:0010571, OMIM 304120.
Melnick-Needles syndrome (MNS). Also called: MELNICK-NEEDLES OSTEODYSPLASTY; OSTEODYSPLASTY OF MELNICK AND NEEDLES; Melnick-Needles Syndrome (FLNA-MNS). Identifiers: Orphanet 2484, MedGen C0025237, MONDO:0010650, OMIM 309350.
Frontometaphyseal dysplasia (FMD1). Identifiers: Orphanet 1826, MedGen C0265293, MONDO:0015942.

gnomAD v4.1: 2 of 1,210,484 alleles (0.00017%); highest among the groups gnomAD compares: Non-Finnish European, 0.00022%; no homozygotes.

Submission:

Labcorp Genetics (formerly Invitae), Labcorp
Classification: Uncertain significance for Oto-palato-digital syndrome, type II; Heterotopia, periventricular, X-linked dominant; Frontometaphyseal dysplasia; Melnick-Needles syndrome. Last evaluated: 2025-11-10. Review status: criteria provided, single submitter. Criteria: Invitae Variant Classification Sherloc (09022015). Collection method: clinical testing. Allele origin: germline.
Comment: This sequence change replaces isoleucine, which is neutral and non-polar, with valine, which is neutral and non-polar, at codon 926 of the FLNA protein (p.Ile926Val). This variant is not present in population databases (gnomAD no frequency). This variant has not been reported in the literature in individuals affected with FLNA-related conditions. Invitae Evidence Modeling of protein sequence and biophysical properties (such as structural, functional, and spatial information, amino acid conservation, physicochemical variation, residue mobility, and thermodynamic stability) indicates that this missense variant is not expected to disrupt FLNA protein function with a negative predictive value of 95%. In summary, the available evidence is currently insufficient to determine the role of this variant in disease. Therefore, it has been classified as a Variant of Uncertain Significance.